The following is an entry in ClinVar:

ClinVar aggregate classification (germline): Uncertain significance (1 of 4 stars; one submission).

Conditions:
Ehlers-Danlos syndrome, type 4 (EDSVASC). Also called: Ehlers-Danlos syndrome vascular type; Ehlers Danlos syndrome, ecchymotic type; Ehlers Danlos syndrome, arterial type; Ehlers Danlos syndrome, Sack-Barabas type; Ehlers-Danlos Syndrome Type IV. Identifiers: Orphanet 286, MedGen C0268338, MONDO:0017314, OMIM 130050.

Submission:

Labcorp Genetics (formerly Invitae), Labcorp
Classification: Uncertain significance for Ehlers-Danlos syndrome, type 4. Last evaluated: 2024-06-28. Review status: criteria provided, single submitter. Criteria: Invitae Variant Classification Sherloc (09022015). Collection method: clinical testing. Allele origin: germline.
Comment: This variant, c.4162_4164del, results in the deletion of 1 amino acid(s) of the COL3A1 protein (p.Lys1388del), but otherwise preserves the integrity of the reading frame. This variant is not present in population databases (gnomAD no frequency). This variant has not been reported in the literature in individuals affected with COL3A1-related conditions. Experimental studies and prediction algorithms are not available or were not evaluated, and the functional significance of this variant is currently unknown. In summary, the available evidence is currently insufficient to determine the role of this variant in disease. Therefore, it has been classified as a Variant of Uncertain Significance.

NM_000090.4(COL3A1):c.4159AAG[1] (p.Lys1388del)

Gene: COL3A1 (collagen type III alpha 1 chain; plus strand). Cytogenetic location: 2q32.2.
Variant type: Microsatellite.
Coding change: c.4159AAG[1] on transcript NM_000090.4 (MANE Select); one copy of the 3-base unit AAG starting at c.4159; the reference has two copies in a row; one copy, 3 bases deleted.
Protein change: p.Lys1388del; deletes lysine 1388.
Genome position (GRCh38, 1-based): chr2:189,010,798-189,010,800, AAG deleted; deleting any 3 consecutive bases within chr2:189,010,795-189,010,800 gives the same sequence; the position shown is the placement nearest the transcript's 3' end. VCF-style (leftmost placement, unchanged base first): chr2-189010794-AAAG-A. GRCh37 (hg19) VCF-style: chr2-189875520-AAAG-A.
Other names: short protein forms K1388del.
Identifiers: ClinVar variation 3658098 (VCV003658098.2).